The following is an entry in ClinVar:

NM_001903.5(CTNNA1):c.451C>T (p.Leu151Phe)

Gene: CTNNA1 (catenin alpha 1; plus strand). Cytogenetic location: 5q31.2.
Variant type: single nucleotide variant.
Coding change: c.451C>T on transcript NM_001903.5 (MANE Select); coding-DNA position 451, C replaced by T.
Protein change: p.Leu151Phe; replaces leucine 151 with phenylalanine.
Molecular consequence: missense variant.
Genome position (GRCh38, 1-based): chr5:138,810,187, C>T. VCF-style: chr5-138810187-C-T. GRCh37 (hg19) VCF-style: chr5-138145876-C-T.
Other names: c.451C>T (NM_001903.2); c.451C>T, p.Leu151Phe (NM_001290307.3, NM_001323982.2, NM_001323983.1 and 3 more transcripts); c.142C>T, p.Leu48Phe (NM_001290309.3); c.82C>T, p.Leu28Phe (NM_001290310.3); short protein forms L151F, L28F, L48F.
Identifiers: ClinVar variation 2413075 (VCV002413075.4), dbSNP rs2532331257, ClinGen allele CA361123678.

ClinVar aggregate classification (germline): Uncertain significance. Review status: criteria provided, multiple submitters, no conflicts (2 of 4 stars). 3 submissions from 3 submitters: Uncertain significance (3). Last evaluated 2025-04-13.

Conditions:
Hereditary cancer-predisposing syndrome. Also called: Hereditary Cancer Syndrome; Hereditary neoplastic syndrome; Neoplastic Syndromes, Hereditary; Tumor predisposition. Identifiers: Orphanet 140162, MedGen C0027672, MeSH D009386, MONDO:0015356.

Allele frequency attached by ClinVar (database versions not stated): gnomAD exomes below 0.00001.

Submissions (3):

Labcorp Genetics (formerly Invitae), Labcorp
Classification: Uncertain significance. Last evaluated: 2025-04-13. Review status: criteria provided, single submitter. Criteria: Invitae Variant Classification Sherloc (09022015). Collection method: clinical testing. Allele origin: germline.
Comment: This sequence change replaces leucine, which is neutral and non-polar, with phenylalanine, which is neutral and non-polar, at codon 151 of the CTNNA1 protein (p.Leu151Phe). This variant is not present in population databases (gnomAD no frequency). This variant has not been reported in the literature in individuals affected with CTNNA1-related conditions. ClinVar contains an entry for this variant (Variation ID: 2413075). Invitae Evidence Modeling of protein sequence and biophysical properties (such as structural, functional, and spatial information, amino acid conservation, physicochemical variation, residue mobility, and thermodynamic stability) has been performed for this missense variant. However, the output from this modeling did not meet the statistical confidence thresholds required to predict the impact of this variant on CTNNA1 protein function. In summary, the available evidence is currently insufficient to determine the role of this variant in disease. Therefore, it has been classified as a Variant of Uncertain Significance.

Ambry Genetics
Classification: Uncertain significance for Hereditary cancer-predisposing syndrome. Last evaluated: 2023-10-27. Review status: criteria provided, single submitter. Criteria: Ambry Variant Classification Scheme 2023. Collection method: clinical testing. Allele origin: germline.
Comment: The p.L151F variant (also known as c.451C>T), located in coding exon 3 of the CTNNA1 gene, results from a C to T substitution at nucleotide position 451. The leucine at codon 151 is replaced by phenylalanine, an amino acid with highly similar properties. This amino acid position is conserved. In addition, the in silico prediction for this alteration is inconclusive. Since supporting evidence is limited at this time, the clinical significance of this alteration remains unclear.

GeneDx
Classification: Uncertain significance. Last evaluated: 2022-07-26. Review status: criteria provided, single submitter. Criteria: GeneDx Variant Classification Process June 2021. Collection method: clinical testing. Allele origin: germline. Affected: yes.
Comment: Not observed at significant frequency in large population cohorts (gnomAD); In silico analysis supports that this missense variant has a deleterious effect on protein structure/function; Has not been previously published as pathogenic or benign to our knowledge